The following is an entry in ClinVar:

NM_000726.5(CACNB4):c.91A>C (p.Ser31Arg)

Gene: CACNB4 (calcium voltage-gated channel auxiliary subunit beta 4; minus strand). Cytogenetic location: 2q23.3.
Variant type: single nucleotide variant.
Coding change: c.91A>C on transcript NM_000726.5 (MANE Select); coding-DNA position 91, A replaced by C.
Protein change: p.Ser31Arg; replaces serine 31 with arginine.
Molecular consequence: missense variant.
Genome position (GRCh38, 1-based): chr2:152,098,386, T>G on the plus strand (A>C on the coding strand, the complement: CACNB4 is on the minus strand). VCF-style: chr2-152098386-T-G. GRCh37 (hg19) VCF-style: chr2-152954900-T-G.
Other names: c.37A>C, p.Ser13Arg (NM_001005746.4, NM_001330113.2); c.91A>C, p.Ser31Arg (NM_001145798.3); short protein forms S31R, S13R.
Identifiers: ClinVar variation 446974 (VCV000446974.15), dbSNP rs773391545, ClinGen allele CA1912737.

ClinVar aggregate classification (germline): Conflicting classifications of pathogenicity. Review status: criteria provided, conflicting classifications (1 of 4 stars). 4 submissions from 4 submitters: Uncertain significance (2); Likely benign (1). 1 of the submissions does not count toward it. Last evaluated 2025-01-20.

Conditions:
CACNB4-related disorder. Also called: CACNB4-related condition; CACNB4-Related Disorders.
Epilepsy, idiopathic generalized, susceptibility to, 9. Identifiers: Orphanet 307, MedGen C2750887, MONDO:0011892, OMIM 607682.
Episodic ataxia type 5. Identifiers: Orphanet 211067, MedGen C1866039, MONDO:0013464, OMIM 613855.
Idiopathic generalized epilepsy. Also called: EIG; Generalised epilepsy. Identifiers: MedGen C0270850, MONDO:0005579, OMIM 600669.

Allele frequency attached by ClinVar (database versions not stated): ExAC 0.00007; gnomAD 0.00008 and 0.00009; gnomAD exomes 0.00008 and 0.00009; TOPMed 0.00008.
gnomAD v4.1: 148 of 1,613,498 alleles (0.0092%); highest among the groups gnomAD compares: Non-Finnish European, 0.012%; 1 homozygote.

Submissions (4):

Labcorp Genetics (formerly Invitae), Labcorp
Classification: Uncertain significance for Idiopathic generalized epilepsy. Last evaluated: 2025-01-20. Review status: criteria provided, single submitter. Criteria: Invitae Variant Classification Sherloc (09022015). Collection method: clinical testing. Allele origin: germline.
Comment: This sequence change replaces serine, which is neutral and polar, with arginine, which is basic and polar, at codon 31 of the CACNB4 protein (p.Ser31Arg). This variant is present in population databases (rs773391545, gnomAD 0.02%). This variant has not been reported in the literature in individuals affected with CACNB4-related conditions. ClinVar contains an entry for this variant (Variation ID: 446974). An algorithm developed to predict the effect of missense changes on protein structure and function (PolyPhen-2) suggests that this variant is likely to be disruptive. In summary, the available evidence is currently insufficient to determine the role of this variant in disease. Therefore, it has been classified as a Variant of Uncertain Significance.

Athena Diagnostics
Classification: Likely benign. Last evaluated: 2024-09-30. Review status: criteria provided, single submitter. Criteria: Athena Diagnostics Criteria. Collection method: clinical testing. Allele origin: unknown.

Fulgent Genetics
Classification: Uncertain significance for Epilepsy, idiopathic generalized, susceptibility to, 9; Episodic ataxia type 5. Last evaluated: 2018-10-31. Review status: criteria provided, single submitter. Criteria: ACMG Guidelines, 2015. Collection method: clinical testing. Allele origin: unknown.

PreventionGenetics, part of Exact Sciences
Classification: Uncertain significance for CACNB4-related condition. Last evaluated: 2024-02-25. Review status: no assertion criteria provided. Collection method: clinical testing. Allele origin: germline. Not counted in ClinVar's aggregate classification.
Comment: The CACNB4 c.91A>C variant is predicted to result in the amino acid substitution p.Ser31Arg. To our knowledge, this variant has not been reported in the literature. This variant is reported in 0.019% of alleles in individuals of European (Non-Finnish) descent in gnomAD. Although we suspect that this variant may be benign, at this time, the clinical significance of this variant is uncertain due to the absence of conclusive functional and genetic evidence.